The following is an entry in ClinVar:

NM_001130987.2(DYSF):c.3322C>A (p.Arg1108Ser)

Gene: DYSF (dysferlin; plus strand). Cytogenetic location: 2p13.2.
Variant type: single nucleotide variant.
Coding change: c.3322C>A on transcript NM_001130987.2 (MANE Select); coding-DNA position 3322, C replaced by A.
Protein change: p.Arg1108Ser; replaces arginine 1108 with serine.
Molecular consequence: missense variant.
Genome position (GRCh38, 1-based): chr2:71,574,291, C>A. VCF-style: chr2-71574291-C-A. GRCh37 (hg19) VCF-style: chr2-71801421-C-A.
Other names: c.3271C>A, p.Arg1091Ser (NM_001130455.2, NM_001130983.2); c.3226C>A, p.Arg1076Ser (NM_001130976.2, NM_001130977.2); c.3268C>A, p.Arg1090Ser (NM_001130978.2, NM_003494.4); c.3361C>A, p.Arg1121Ser (NM_001130979.2); c.3319C>A, p.Arg1107Ser (NM_001130980.2, NM_001130981.2); c.3364C>A, p.Arg1122Ser (NM_001130982.2); c.3229C>A, p.Arg1077Ser (NM_001130984.2, NM_001130986.2); c.3322C>A, p.Arg1108Ser (NM_001130985.2); short protein forms R1077S, R1107S, R1108S, R1121S, R1090S, R1091S, R1076S, R1122S.
Identifiers: ClinVar variation 1955391 (VCV001955391.2), dbSNP rs377079619, ClinGen allele CA347218234.
Genomic context (GRCh38, chr2:71,574,291, plus strand): 5'-GAGTACGCCTCTCTTTTTGGCTGGAAGTTCCACCTCGAGTACCGCAAGACAGATGCCTTC[C>A]GCCGCCGCCGCTGGCGCCGTCGCATGGAGCCACTGGAGAAGACGGGGCCTGCAGCTGTGT-3'
Protein context (NP_001124459.1, residues 1098-1118): HLEYRKTDAF[Arg1108Ser]RRRWRRRMEP

ClinVar aggregate classification (germline): Uncertain significance (1 of 4 stars; one submission).

Conditions:
Neuromuscular disease caused by qualitative or quantitative defects of dysferlin. Also called: Dysferlinopathy; Qualitative or quantitative defects of dysferlin. Identifiers: Orphanet 207073, MedGen C2931687, MONDO:0016145.

Submission:

Labcorp Genetics (formerly Invitae), Labcorp
Classification: Uncertain significance for Neuromuscular disease caused by qualitative or quantitative defects of dysferlin. Last evaluated: 2021-06-16. Review status: criteria provided, single submitter. Criteria: Invitae Variant Classification Sherloc (09022015). Collection method: clinical testing. Allele origin: germline.
Comment: This sequence change replaces arginine with serine at codon 1090 of the DYSF protein (p.Arg1090Ser). The arginine residue is moderately conserved and there is a moderate physicochemical difference between arginine and serine. This variant is not present in population databases (ExAC no frequency). This variant has not been reported in the literature in individuals with DYSF-related conditions. Algorithms developed to predict the effect of missense changes on protein structure and function are either unavailable or do not agree on the potential impact of this missense change (SIFT: "Deleterious"; PolyPhen-2: "Probably Damaging"; Align-GVGD: "Class C0"). In summary, the available evidence is currently insufficient to determine the role of this variant in disease. Therefore, it has been classified as a Variant of Uncertain Significance.